The following is an entry in ClinVar:

NM_000254.3(MTR):c.3416A>G (p.Glu1139Gly)

Gene: MTR (5-methyltetrahydrofolate-homocysteine methyltransferase; plus strand). Cytogenetic location: 1q43.
Variant type: single nucleotide variant.
Coding change: c.3416A>G on transcript NM_000254.3 (MANE Select); coding-DNA position 3416, A replaced by G.
Protein change: p.Glu1139Gly; replaces glutamic acid 1139 with glycine.
Molecular consequence: missense variant.
Genome position (GRCh38, 1-based): chr1:236,895,368, A>G. VCF-style: chr1-236895368-A-G. GRCh37 (hg19) VCF-style: chr1-237058668-A-G.
Other names: c.3263A>G, p.Glu1088Gly (NM_001291939.1); c.2195A>G, p.Glu732Gly (NM_001291940.2); short protein forms E1088G, E1139G, E732G.
Identifiers: ClinVar variation 1704046 (VCV001704046.3), dbSNP rs2528534768, ClinGen allele CA345389544.
Genomic context (GRCh38, chr1:236,895,368, plus strand): 5'-CTGTGAGCCCCTGCGTCTGCCTAAGCATGCCTGCTGCTTTGGGTCCCAAGGCCTTTGCAG[A>G]AGAGCTCCATGAAAGAGTTCGCCGAGAACTGTGGGCCTACTGTGGCAGTGAGCAGCTGGA-3'
Protein context (NP_000245.2, residues 1129-1149): LGDRLAEAFA[Glu1139Gly]ELHERVRREL

ClinVar aggregate classification (germline): Uncertain significance (1 of 4 stars; one submission).

Allele frequency attached by ClinVar (database versions not stated): gnomAD exomes 0.00001.
gnomAD v4.1: 20 of 1,598,308 alleles (0.0013%); highest among the groups gnomAD compares: Non-Finnish European, 0.0017%; no homozygotes.

Submission:

GeneDx
Classification: Uncertain significance. Last evaluated: 2022-09-29. Review status: criteria provided, single submitter. Criteria: GeneDx Variant Classification Process June 2021. Collection method: clinical testing. Allele origin: germline. Affected: yes.
Comment: Has not been previously published as pathogenic or benign to our knowledge; Not observed at significant frequency in large population cohorts (gnomAD); In silico analysis supports that this missense variant has a deleterious effect on protein structure/function